The following is an entry in ClinVar:

NM_007294.4(BRCA1):c.3176_3177del (p.Asn1059fs)

Gene: BRCA1 (BRCA1 DNA repair associated; minus strand). Cytogenetic location: 17q21.31.
Variant type: Deletion.
Coding change: c.3176_3177del on transcript NM_007294.4 (MANE Select); coding-DNA positions 3176 to 3177, 2 bases deleted (AT; older notation c.3176_3177delAT).
Protein change: p.Asn1059fs; shifts the reading frame from asparagine 1059.
Molecular consequence: frameshift variant. On other transcripts: intron variant (137).
Genome position (GRCh38, 1-based): chr17:43,092,354-43,092,355, AT deleted on the plus strand (AT on the coding strand, the reverse complement: BRCA1 is on the minus strand). VCF-style (leftmost placement, unchanged base first): chr17-43092353-CAT-C. GRCh37 (hg19) VCF-style: chr17-41244370-CAT-C.
Other names: c.3032_3033del, p.Asn1011fs (NM_001407943.1, NM_001407740.1, NM_001407741.1 and 20 more transcripts); c.3035_3036del, p.Asn1012fs (NM_001407944.1, NM_001407945.1, NM_001407942.1 and 29 more transcripts); c.2843_2844del, p.Asn948fs (NM_001407946.1, NM_001407947.1, NM_001407948.1 and 6 more transcripts); c.3053_3054del, p.Asn1018fs (NM_001407937.1, NM_001407938.1, NM_001407939.1 and 19 more transcripts); c.2912_2913del, p.Asn971fs (NM_001407933.1, NM_001407935.1, NM_001407927.1 and 9 more transcripts); c.2909_2910del, p.Asn970fs (NM_001407934.1, NM_001407936.1, NM_001407930.1 and 2 more transcripts); c.3050_3051del, p.Asn1017fs (NM_001407940.1, NM_001407941.1, NM_001407649.1 and 11 more transcripts); c.2963_2964del, p.Asn988fs (NM_001407571.1, NM_001407853.1, NM_001407894.1 and 9 more transcripts); and 41 more; short protein forms N1059fs, N1012fs, N1017fs, N1058fs, N970fs, N988fs, N991fs, N947fs.
Identifiers: ClinVar variation 1459729 (VCV001459729.9), dbSNP rs2154338498, ClinGen allele CA2573154087.

ClinVar aggregate classification (germline): Pathogenic. Review status: criteria provided, multiple submitters, no conflicts (2 of 4 stars). 2 submissions from 2 submitters: Pathogenic (2). Last evaluated 2021-07-15.

Conditions:
Hereditary cancer-predisposing syndrome. Also called: Neoplastic Syndromes, Hereditary; Hereditary Cancer Syndrome; Hereditary neoplastic syndrome; Tumor predisposition. Identifiers: Orphanet 140162, MedGen C0027672, MeSH D009386, MONDO:0015356.
Hereditary breast ovarian cancer syndrome. Also called: Hereditary breast and ovarian cancer; Breast and ovarian cancer; BRCA1- and BRCA2-Associated Hereditary Breast and Ovarian Cancer; Hereditary breast and/or ovarian cancer syndrome; Hereditary breast and ovarian cancer syndrome; Hereditary breast and ovarian cancer syndrome (HBOC). Identifiers: Orphanet 145, MedGen C0677776, MeSH D061325, MONDO:0003582. Disease mechanism: loss of function.

Submissions (2):

Labcorp Genetics (formerly Invitae), Labcorp
Classification: Pathogenic for Hereditary breast ovarian cancer syndrome. Last evaluated: 2021-07-15. Review status: criteria provided, single submitter. Criteria: Invitae Variant Classification Sherloc (09022015). Collection method: clinical testing. Allele origin: germline.
Comment: For these reasons, this variant has been classified as Pathogenic. This variant has not been reported in the literature in individuals affected with BRCA1-related conditions. This variant is not present in population databases (ExAC no frequency). This sequence change creates a premature translational stop signal (p.Asn1059Argfs*6) in the BRCA1 gene. It is expected to result in an absent or disrupted protein product. Loss-of-function variants in BRCA1 are known to be pathogenic (PMID: 20104584).

Ambry Genetics
Classification: Pathogenic for Hereditary cancer-predisposing syndrome. Last evaluated: 2019-09-13. Review status: criteria provided, single submitter. Criteria: Ambry Variant Classification Scheme 2023. Collection method: clinical testing. Allele origin: germline.
Comment: The c.3176_3177delAT pathogenic mutation, located in coding exon 9 of the BRCA1 gene, results from a deletion of two nucleotides at nucleotide positions 3176 to 3177, causing a translational frameshift with a predicted alternate stop codon (p.N1059Rfs*6). This alteration is expected to result in loss of function by premature protein truncation or nonsense-mediated mRNA decay. As such, this alteration is interpreted as a disease-causing mutation.

Literature cited by the submitters: PubMed 20104584 (cited by Labcorp Genetics (formerly Invitae), Labcorp).